The following is an entry in ClinVar:

NM_006206.6(PDGFRA):c.3151G>A (p.Glu1051Lys)

Gene: PDGFRA (platelet derived growth factor receptor alpha; plus strand). Cytogenetic location: 4q12.
Variant type: single nucleotide variant.
Coding change: c.3151G>A on transcript NM_006206.6 (MANE Select); coding-DNA position 3151, G replaced by A.
Protein change: p.Glu1051Lys; replaces glutamic acid 1051 with lysine.
Molecular consequence: missense variant.
Genome position (GRCh38, 1-based): chr4:54,295,153, G>A. VCF-style: chr4-54295153-G-A. GRCh37 (hg19) VCF-style: chr4-55161320-G-A.
Other names: c.3226G>A, p.Glu1076Lys (NM_001347828.2); c.3151G>A, p.Glu1051Lys (NM_001347829.2); c.3190G>A, p.Glu1064Lys (NM_001347830.2); short protein forms E1076K, E1051K, E1064K.
Identifiers: ClinVar variation 2130979 (VCV002130979.4), dbSNP rs1724816694, ClinGen allele CA356896502.

ClinVar aggregate classification (germline): Uncertain significance (1 of 4 stars; one submission).

Conditions:
Gastrointestinal stromal tumor. Also called: Gastrointestinal stroma tumor; Gastrointestinal stromal tumor, somatic. Identifiers: Orphanet 44890, MedGen C0238198, MeSH D046152, MONDO:0011719, OMIM 606764, HP:0100723.

Allele frequency attached by ClinVar (database versions not stated): gnomAD 0.00001; TOPMed 0.00002.
gnomAD v4.1: 2 of 1,614,044 alleles (0.00012%); highest among the groups gnomAD compares: Admixed American, 0.0033%; no homozygotes.

Submission:

Labcorp Genetics (formerly Invitae), Labcorp
Classification: Uncertain significance for Gastrointestinal stromal tumor. Last evaluated: 2023-09-12. Review status: criteria provided, single submitter. Criteria: Invitae Variant Classification Sherloc (09022015). Collection method: clinical testing. Allele origin: germline.
Comment: This sequence change replaces glutamic acid, which is acidic and polar, with lysine, which is basic and polar, at codon 1051 of the PDGFRA protein (p.Glu1051Lys). This variant is not present in population databases (gnomAD no frequency). This variant has not been reported in the literature in individuals affected with PDGFRA-related conditions. ClinVar contains an entry for this variant (Variation ID: 2130979). Advanced modeling of protein sequence and biophysical properties (such as structural, functional, and spatial information, amino acid conservation, physicochemical variation, residue mobility, and thermodynamic stability) performed at Invitae indicates that this missense variant is not expected to disrupt PDGFRA protein function. In summary, the available evidence is currently insufficient to determine the role of this variant in disease. Therefore, it has been classified as a Variant of Uncertain Significance.